The following is an entry in ClinVar:

ClinVar aggregate classification (germline): Uncertain significance (1 of 4 stars; one submission).

Submission:

Labcorp Genetics (formerly Invitae), Labcorp
Classification: Uncertain significance. Last evaluated: 2024-04-29. Review status: criteria provided, single submitter. Criteria: Invitae Variant Classification Sherloc (09022015). Collection method: clinical testing. Allele origin: germline.
Comment: This sequence change falls in intron 7 of the FBLN5 gene. It does not directly change the encoded amino acid sequence of the FBLN5 protein. This variant is not present in population databases (gnomAD no frequency). This variant has not been reported in the literature in individuals affected with FBLN5-related conditions. Algorithms developed to predict the effect of sequence changes on RNA splicing suggest that this variant may disrupt the consensus splice site. In summary, the available evidence is currently insufficient to determine the role of this variant in disease. Therefore, it has been classified as a Variant of Uncertain Significance.

NM_006329.4(FBLN5):c.739+2_739+7dup

Gene: FBLN5 (fibulin 5; minus strand). Cytogenetic location: 14q32.12.
Variant type: Duplication.
Coding change: c.739+2_739+7dup on transcript NM_006329.4 (MANE Select); the canonical splice donor site of the intron after coding-DNA position 739 through 7 bases into the intron after coding-DNA position 739, 6 bases duplicated (TAATGG; older notation c.739+2_739+7dupTAATGG).
Molecular consequence: splice donor variant.
Genome position (GRCh38, 1-based): chr14:91,887,186-91,887,191, CCATTA duplicated on the plus strand (TAATGG on the coding strand, the reverse complement: FBLN5 is on the minus strand); duplicating any 6 consecutive bases within chr14:91,887,186-91,887,194 gives the same sequence; the c. name uses the placement nearest the transcript's 3' end. VCF-style (leftmost placement, unchanged base first): chr14-91887185-C-CCCATTA. GRCh37 (hg19) VCF-style: chr14-92353529-C-CCCATTA.
Other names: c.739+2_739+7dup (NM_001384160.1); c.862+2_862+7dup (NM_001384158.1); c.571+2_571+7dup (NM_001384162.1, NM_001384161.1); c.790+2_790+7dup (NM_001384159.1).
Identifiers: ClinVar variation 3695895 (VCV003695895.2).